The following is an entry in ClinVar:

ClinVar aggregate classification (germline): Uncertain significance (1 of 4 stars; one submission).

Conditions:
Chromosome 2q32-q33 deletion syndrome (GLASS). Also called: Glass syndrome; 2q33.1 deletion syndrome. Identifiers: Orphanet 251019, MedGen C2676739, MONDO:0012864, OMIM 612313.

Submission:

3billion
Classification: Uncertain significance for Chromosome 2q32-q33 deletion syndrome. Last evaluated: 2024-09-26. Review status: criteria provided, single submitter. Criteria: ACMG Guidelines, 2015. Collection method: clinical testing. Allele origin: germline. Affected: yes.
Comment: The variant is not observed in the gnomAD v4.0.0 dataset. Predicted Consequence/Location: Missense variant In silico tool predictions suggest damaging effect of the variant on gene or gene product [REVEL: 0.88 (>=0.6, sensitivity 0.68 and specificity 0.92)]. Therefore, this variant is classified as VUS according to the recommendation of ACMG/AMP guideline.

NM_001172509.2(SATB2):c.437T>A (p.Val146Asp)

Gene: SATB2 (SATB homeobox 2; minus strand). Cytogenetic location: 2q33.1.
Variant type: single nucleotide variant.
Coding change: c.437T>A on transcript NM_001172509.2 (MANE Select); coding-DNA position 437, T replaced by A.
Protein change: p.Val146Asp; replaces valine 146 with aspartic acid.
Molecular consequence: missense variant.
Genome position (GRCh38, 1-based): chr2:199,381,730, A>T on the plus strand (T>A on the coding strand, the complement: SATB2 is on the minus strand). VCF-style: chr2-199381730-A-T. GRCh37 (hg19) VCF-style: chr2-200246453-A-T.
Other names: c.437T>A, p.Val146Asp (NM_001172517.1, NM_015265.4); short protein forms V146D.
Identifiers: ClinVar variation 4292585 (VCV004292585.1).